The following is an entry in ClinVar:

ClinVar aggregate classification (germline): Pathogenic. Review status: reviewed by expert panel (3 of 4 stars). 12 submissions from 12 submitters: Pathogenic (1). 11 of the submissions do not count toward it. Last evaluated 2016-09-08.

Conditions:
Hereditary cancer-predisposing syndrome. Also called: Neoplastic Syndromes, Hereditary; Tumor predisposition; Hereditary Cancer Syndrome; Hereditary neoplastic syndrome. Identifiers: Orphanet 140162, MedGen C0027672, MeSH D009386, MONDO:0015356.
Hereditary breast ovarian cancer syndrome. Also called: Hereditary breast and ovarian cancer syndrome; Hereditary breast and ovarian cancer; Hereditary breast and ovarian cancer syndrome (HBOC); Breast and ovarian cancer; Hereditary breast and/or ovarian cancer syndrome; BRCA1- and BRCA2-Associated Hereditary Breast and Ovarian Cancer. Identifiers: Orphanet 145, MedGen C0677776, MeSH D061325, MONDO:0003582. Disease mechanism: loss of function.
Breast-ovarian cancer, familial, susceptibility to, 2 (BROVCA2). Also called: BRCA2 Hereditary Breast and Ovarian Cancer. Identifiers: Orphanet 145, MedGen C2675520, MONDO:0012933, OMIM 612555. Disease mechanism: loss of function.
Familial cancer of breast. Also called: BREAST CANCER, FAMILIAL; Hereditary breast cancer; hereditary breast carcinoma. Identifiers: Orphanet 227535, MedGen C0346153, MONDO:0016419, OMIM 114480. Disease mechanism: loss of function.

Submissions (12):

Evidence-based Network for the Interpretation of Germline Mutant Alleles (ENIGMA)
Classification: Pathogenic for Breast-ovarian cancer, familial, susceptibility to, 2. Last evaluated: 2016-09-08. Review status: reviewed by expert panel. Criteria: ENIGMA BRCA1/2 Classification Criteria (2015). Collection method: curation. Allele origin: germline.
Comment: Variant allele predicted to encode a truncated non-functional protein.

Labcorp Genetics (formerly Invitae), Labcorp
Classification: Pathogenic for Hereditary breast ovarian cancer syndrome. Last evaluated: 2025-07-23. Review status: criteria provided, single submitter. Criteria: Invitae Variant Classification Sherloc (09022015). Collection method: clinical testing. Allele origin: germline. Not counted in ClinVar's aggregate classification.
Comment: This sequence change creates a premature translational stop signal (p.His763Metfs*9) in the BRCA2 gene. It is expected to result in an absent or disrupted protein product. Loss-of-function variants in BRCA2 are known to be pathogenic (PMID: 20104584). This variant is not present in population databases (gnomAD no frequency). This premature translational stop signal has been observed in individual(s) with ovarian cancer (PMID: 17148771, 21324516). This variant is also known as 2515delC. ClinVar contains an entry for this variant (Variation ID: 51266). For these reasons, this variant has been classified as Pathogenic.

Color Diagnostics, LLC DBA Color Health
Classification: Pathogenic for Hereditary cancer-predisposing syndrome. Last evaluated: 2024-11-13. Review status: criteria provided, single submitter. Criteria: ACMG Guidelines, 2015. Collection method: clinical testing. Allele origin: germline. Not counted in ClinVar's aggregate classification.
Comment: This variant deletes 1 nucleotide in exon 11 of the BRCA2 gene, creating a frameshift and premature translation stop signal. This variant is expected to result in an absent or non-functional protein product. This variant has been observed in 2 individuals affected with ovarian cancer (PMID: 17148771, 21324516). This variant has not been identified in the general population by the Genome Aggregation Database (gnomAD). Loss of BRCA2 function is a known mechanism of disease. Based on the available evidence, this variant is classified as Pathogenic.

Molecular Pathology, Peter Maccallum Cancer Centre
Classification: Pathogenic for Breast-ovarian cancer, familial, susceptibility to, 2. Last evaluated: 2024-10-25. Review status: criteria provided, single submitter. Criteria: ACMG Guidelines, 2015. Collection method: clinical testing. Allele origin: germline. Inheritance: Autosomal dominant inheritance. Not counted in ClinVar's aggregate classification.

Baylor Genetics
Classification: Pathogenic for Familial cancer of breast. Last evaluated: 2023-12-04. Review status: criteria provided, single submitter. Criteria: ACMG Guidelines, 2015. Collection method: clinical testing. Allele origin: unknown. Not counted in ClinVar's aggregate classification.

GeneDx
Classification: Pathogenic. Last evaluated: 2023-09-18. Review status: criteria provided, single submitter. Criteria: GeneDx Variant Classification Process June 2021. Collection method: clinical testing. Allele origin: germline. Affected: yes. Not counted in ClinVar's aggregate classification.
Comment: Frameshift variant predicted to result in protein truncation or nonsense mediated decay in a gene for which loss-of-function is a known mechanism of disease; Observed in individuals with BRCA2-related cancers (Risch et al., 2006; Zhang et al., 2011; Hu et al., 2018); Truncating variants in this gene are considered pathogenic by a well-established clinical consortium and/or database; Not observed at significant frequency in large population cohorts (gnomAD); Also known as 2515delC; This variant is associated with the following publications: (PMID: 21324516, 17148771, 29922827, 31948886, 31853058, 20104584)

Ambry Genetics
Classification: Pathogenic for Hereditary cancer-predisposing syndrome. Last evaluated: 2022-09-26. Review status: criteria provided, single submitter. Criteria: Ambry Variant Classification Scheme 2023. Collection method: clinical testing. Allele origin: germline. Not counted in ClinVar's aggregate classification.
Comment: The c.2287delC pathogenic mutation, located in coding exon 10 of the BRCA2 gene, results from a deletion of one nucleotide at nucleotide position 2287, causing a translational frameshift with a predicted alternate stop codon (p.H763Mfs*9). This alteration has been reported in an individual diagnosed with ovarian cancer (Risch HA et al. J. Natl. Cancer Inst. 2006 Dec;98(23):1694-706; Zhang S et al. Gynecol. Oncol. 2011 May;121(2):353-7). Of note, this alteration is also known as 2515delC in published literature. In addition to the clinical data presented in the literature, this alteration is expected to result in loss of function by premature protein truncation or nonsense-mediated mRNA decay. As such, this alteration is interpreted as a disease-causing mutation.

Quest Diagnostics Nichols Institute San Juan Capistrano
Classification: Pathogenic. Last evaluated: 2021-09-09. Review status: criteria provided, single submitter. Criteria: Quest Diagnostics criteria. Collection method: clinical testing. Allele origin: unknown. Not counted in ClinVar's aggregate classification.
Comment: This frameshift variant causes the premature termination of BRCA2 protein synthesis. In addition, it has been reported in individuals with ovarian cancer and prostate cancer in the published literature (PMID: 17148771 (2006), 21324516 (2011), 31948886 (2020)). Based on the available information, this variant is classified as pathogenic.

Mayo Clinic Laboratories, Mayo Clinic
Classification: Pathogenic. Last evaluated: 2020-10-23. Review status: criteria provided, single submitter. Criteria: ACMG Guidelines, 2015. Collection method: clinical testing. Allele origin: germline. Observed: 1 variant allele. Not counted in ClinVar's aggregate classification.
Comment: PVS1, PM2, PP5

Research Molecular Genetics Laboratory, Women's College Hospital, University of Toronto
Classification: Pathogenic for Hereditary breast ovarian cancer syndrome. Last evaluated: 2014-01-31. Review status: no assertion criteria provided. Collection method: research. Allele origin: germline. Affected: yes. Study: The Canadian Open Genetics Repository (COGR). Not counted in ClinVar's aggregate classification.

Sharing Clinical Reports Project (SCRP)
Classification: Pathogenic for Breast-ovarian cancer, familial 2. Last evaluated: 2012-01-09. Review status: no assertion criteria provided. Collection method: clinical testing. Allele origin: germline. Not counted in ClinVar's aggregate classification.

Breast Cancer Information Core (BIC) (BRCA2)
Classification: Pathogenic for Breast-ovarian cancer, familial 2. Last evaluated: 2002-06-20. Review status: no assertion criteria provided. Collection method: clinical testing. Allele origin: germline. Affected: yes. Observed: 2 variant alleles. Not counted in ClinVar's aggregate classification.

Literature cited by the submitters: PubMed 20104584 (cited by Labcorp Genetics (formerly Invitae), Labcorp); PubMed 17148771 (cited by 4 submitters); PubMed 21324516 (cited by 4 submitters); PubMed 31948886 (cited by Quest Diagnostics Nichols Institute San Juan Capistrano).

NM_000059.4(BRCA2):c.2287del (p.His763fs)

Gene: BRCA2 (BRCA2 DNA repair associated; plus strand). Cytogenetic location: 13q13.1.
Variant type: Deletion.
Coding change: c.2287del on transcript NM_000059.4 (MANE Select); coding-DNA position 2287, one base deleted (C; older notation c.2287delC).
Protein change: p.His763fs; shifts the reading frame from histidine 763.
Molecular consequence: frameshift variant.
Genome position (GRCh38, 1-based): chr13:32,336,642, C deleted. VCF-style (leftmost placement, unchanged base first): chr13-32336641-TC-T. GRCh37 (hg19) VCF-style: chr13-32910778-TC-T.
Other names: 2515delC; c.2287delC (NM_000059.3).
Identifiers: ClinVar variation 51266 (VCV000051266.34), dbSNP rs80359327, ClinGen allele CA014881.
Genomic context (GRCh38, chr13:32,336,641, plus strand): 5'-ACATTCAAAAGTGGAATACAGTGATACTGACTTTCAATCCCAGAAAAGTCTTTTATATGA[TC>T]ATGAAAATGCCAGCACTCTTATTTTAACTCCTACTTCCAAGGATGTTCTGTCAAACCTAG-3'